The following continues an entry in ClinVar:

NM_001048174.2(MUTYH):c.736C>T (p.Arg246Trp)

Gene: MUTYH. ClinVar aggregate classification (germline): Pathogenic/Likely pathogenic. Pathogenic (1); Likely pathogenic (11).

Submissions 9 to 13 of 13:

All of Us Research Program, National Institutes of Health
Classification: Likely pathogenic for Familial adenomatous polyposis 2. Last evaluated: 2023-11-30. Review status: criteria provided, single submitter. Criteria: ACMG Guidelines, 2015. Collection method: clinical testing. Allele origin: germline. Inheritance: Autosomal recessive inheritance. Observed: 2 variant alleles, 2 heterozygotes.
Comment: This missense variant replaces arginine with tryptophan at codon 274 of the MUTYH protein. Computational prediction is inconclusive regarding the impact of this variant on protein structure and function (internally defined REVEL score threshold 0.5 < inconclusive < 0.7, PMID: 27666373). Splice site prediction tools suggest that this variant may not impact RNA splicing. Functional studies have shown that this variant was categorized as functionally deficient (PMID: 25820570). This variant has been reported as biallelic with another MUTYH allele in individuals affected with MUTYH-associated polyposis (PMID: 16134147, 19732775, 26511139) and as a single in an individual affected with breast cancer (PMID: 26976419). This variant has been identified in 2/250086 chromosomes in the general population by the Genome Aggregation Database (gnomAD). Based on the available evidence, this variant is classified as Likely Pathogenic.

This study involves interpretation of variants in research participants for the purpose of population health screening. Participant phenotype was not available at the time of variant classification. Additional details can be found in publication PMID: 35346344, PMCID: PMC8962531

Revvity Omics, Revvity
Classification: Likely pathogenic for Familial adenomatous polyposis 2. Last evaluated: 2019-04-24. Review status: criteria provided, single submitter. Criteria: ACMG Guidelines, 2015. Collection method: clinical testing. Allele origin: germline.

Laboratory for Molecular Medicine, Mass General Brigham Personalized Medicine
Classification: Likely pathogenic for Familial adenomatous polyposis 2. Last evaluated: 2018-09-18. Review status: criteria provided, single submitter. Criteria: LMM Criteria. Collection method: clinical testing. Allele origin: germline. Inheritance: Autosomal recessive inheritance. Observed: 1 variant allele.
Comment: The p.Arg274Trp variant in MUTYH has been reported in the compound heterozygous state at least 2 individuals with MUTYH-associated polyposis (MAP) who had a sec ond pathogenic variant in MUTYH (Aceto 2005, Aretz 2005, Vogt 2009). Additionall y, it segregated with disease in at least one affected family member (Aceto 2005 ). This variant has also been reported by other clinical laboratories in ClinVar (Variation ID: 449417) and has been identified in 1/33562 Latino chromosomes by gnomAD. In vitro functional studies provide some evidence that the p.Arg274Trp variant may impact protein function (Komine 2 015); however, these types of assays may not accurately represent biological fun ction. Computational prediction tools and conservation analysis support that the p.Arg274Trp variant may impact the protein. In summary, although additional stu dies are required to fully establish its clinical significance, this variant mee ts criteria to be classified as likely pathogenic for autosomal recessive MAP. A CMG/AMP criteria applied: PM2, PM3, PP1, PP3, PS3_Supporting.

Juno Genomics, Hangzhou Juno Genomics, Inc
Classification: Likely pathogenic for Familial adenomatous polyposis 2; Gastric cancer. Review status: criteria provided, single submitter. Criteria: ACMG Guidelines, 2015. Collection method: clinical testing. Allele origin: germline. Affected: yes.
Comment: Absent from controls (or at extremely low frequency if recessive) in Genome Aggregation Database, Exome Sequencing Project, 1000 Genomes Project, or Exome Aggregation Consortium.;For recessive disorders, detected in trans with a pathogenic variant.;Co-segregation with disease in multiple affected family members in a gene definitively known to cause the disease.;Patient's phenotype or family history is highly specific for a disease with a single genetic etiology.;Multiple lines of computational evidence support a deleterious effect on the gene or gene product (conservation, evolutionary, splicing impact, etc).

Laboratory for Genotyping Development, RIKEN
Classification: Pathogenic for Gastric cancer. Last evaluated: 2021-07-01. Review status: no assertion criteria provided. Collection method: research. Allele origin: germline. Not counted in ClinVar's aggregate classification.

Literature cited by the submitters: PubMed 16134147 (cited by 7 submitters); PubMed 19032956 (cited by 3 submitters); PubMed 19394335 (cited by 3 submitters); PubMed 19732775 (cited by 7 submitters); PubMed 25820570 (cited by 7 submitters); PubMed 26511139 (cited by 5 submitters); PubMed 26976419 (cited by 5 submitters); PubMed 16557584 (cited by Quest Diagnostics Nichols Institute San Juan Capistrano and Laboratory for Molecular Medicine, Mass General Brigham Personalized Medicine); PubMed 36243179 (cited by Quest Diagnostics Nichols Institute San Juan Capistrano); PubMed 33471974 (cited by Ambry Genetics); PubMed 28349240 (cited by Laboratory for Molecular Medicine, Mass General Brigham Personalized Medicine); PubMed 36988593 (cited by Laboratory for Genotyping Development, RIKEN).